The following is an entry in ClinVar:

ClinVar aggregate classification (germline): Uncertain significance (1 of 4 stars; one submission).

Conditions:
Inborn genetic diseases. Identifiers: MedGen C0950123, MeSH D030342.

Submission:

Ambry Genetics
Classification: Uncertain significance for Inborn genetic diseases. Last evaluated: 2026-04-16. Review status: criteria provided, single submitter. Criteria: Ambry Variant Classification Scheme 2023. Collection method: clinical testing. Allele origin: germline.
Comment: The p.S120R variant (also known as c.358A>C), located in coding exon 1 of the SH2B3 gene, results from an A to C substitution at nucleotide position 358. The serine at codon 120 is replaced by arginine, an amino acid with dissimilar properties. This amino acid position is conserved. In addition, this alteration is predicted to be tolerated by in silico analysis. Based on the available evidence, the clinical significance of this variant remains unclear.

NM_005475.3(SH2B3):c.358A>C (p.Ser120Arg)

Gene: SH2B3 (SH2B adaptor protein 3; plus strand). Cytogenetic location: 12q24.12.
Variant type: single nucleotide variant.
Coding change: c.358A>C on transcript NM_005475.3 (MANE Select); coding-DNA position 358, A replaced by C.
Protein change: p.Ser120Arg; replaces serine 120 with arginine.
Molecular consequence: missense variant.
Genome position (GRCh38, 1-based): chr12:111,418,503, A>C. VCF-style: chr12-111418503-A-C. GRCh37 (hg19) VCF-style: chr12-111856307-A-C.
Other names: short protein forms S120R.
Identifiers: ClinVar variation 4864424 (VCV004864424.1).